The following is an entry in ClinVar:

NM_001510.4(GRID2):c.331G>A (p.Ala111Thr)

Gene: GRID2 (glutamate ionotropic receptor delta type subunit 2; plus strand). Cytogenetic location: 4q22.2.
Variant type: single nucleotide variant.
Coding change: c.331G>A on transcript NM_001510.4 (MANE Select); coding-DNA position 331, G replaced by A.
Protein change: p.Ala111Thr; replaces alanine 111 with threonine.
Molecular consequence: missense variant. On other transcripts: intron variant (1).
Genome position (GRCh38, 1-based): chr4:93,085,081, G>A. VCF-style: chr4-93085081-G-A. GRCh37 (hg19) VCF-style: chr4-94006232-G-A.
Other names: c.245-25667G>A (NM_001286838.1); short protein forms A111T.
Identifiers: ClinVar variation 2096167 (VCV002096167.4), dbSNP rs774459764, ClinGen allele CA3011947.

ClinVar aggregate classification (germline): Uncertain significance (1 of 4 stars; one submission).

Allele frequency attached by ClinVar (database versions not stated): ExAC 0.00001; gnomAD 0.00001; gnomAD exomes 0.00001; TOPMed 0.00001.
gnomAD v4.1: 14 of 1,613,984 alleles (0.00087%); highest among the groups gnomAD compares: African/African-American, 0.004%; no homozygotes.

Submission:

Labcorp Genetics (formerly Invitae), Labcorp
Classification: Uncertain significance. Last evaluated: 2022-02-27. Review status: criteria provided, single submitter. Criteria: Invitae Variant Classification Sherloc (09022015). Collection method: clinical testing. Allele origin: germline.
Comment: This sequence change replaces alanine, which is neutral and non-polar, with threonine, which is neutral and polar, at codon 111 of the GRID2 protein (p.Ala111Thr). In summary, the available evidence is currently insufficient to determine the role of this variant in disease. Therefore, it has been classified as a Variant of Uncertain Significance. Algorithms developed to predict the effect of missense changes on protein structure and function are either unavailable or do not agree on the potential impact of this missense change (SIFT: "Deleterious"; PolyPhen-2: "Probably Damaging"; Align-GVGD: "Class C0"). This variant has not been reported in the literature in individuals affected with GRID2-related conditions. This variant is present in population databases (rs774459764, gnomAD 0.003%).